The following is an entry in ClinVar:

ClinVar aggregate classification (germline): Uncertain significance (1 of 4 stars; one submission).

Allele frequency attached by ClinVar (database versions not stated): gnomAD exomes below 0.00001.
gnomAD v4.1: 1 of 1,551,058 alleles (0.000064%); highest among the groups gnomAD compares: Non-Finnish European, 0.000087%; no homozygotes.

Submission:

CeGaT Center for Human Genetics Tuebingen
Classification: Uncertain significance. Last evaluated: 2023-08-01. Review status: criteria provided, single submitter. Criteria: CeGaT Center For Human Genetics Tuebingen Variant Classification Criteria Version 2. Collection method: clinical testing. Allele origin: germline. Affected: yes. Observed: 1 variant allele.
Comment: TNK2: PM2

NM_001382273.1(TNK2):c.1570C>A (p.Pro524Thr)

Gene: TNK2 (tyrosine kinase non receptor 2; minus strand). Cytogenetic location: 3q29.
Variant type: single nucleotide variant.
Coding change: c.1570C>A on transcript NM_001382273.1 (MANE Select); coding-DNA position 1570, C replaced by A.
Protein change: p.Pro524Thr; replaces proline 524 with threonine.
Molecular consequence: missense variant. On other transcripts: non-coding transcript variant (6), intron variant (15).
Genome position (GRCh38, 1-based): chr3:195,869,515, G>T on the plus strand (C>A on the coding strand, the complement: TNK2 is on the minus strand). VCF-style: chr3-195869515-G-T. GRCh37 (hg19) VCF-style: chr3-195596386-G-T.
Other names: c.1642C>A, p.Pro548Thr (NM_001010938.2, NM_001382272.1); c.1570C>A, p.Pro524Thr (NM_001382274.1, NM_001387716.1, NM_001387717.1 and 1 more transcripts); c.1666C>A, p.Pro556Thr (NM_001382275.1, NM_001387707.1); c.1543+599C>A (NM_001387720.1, NM_005781.5, NM_001386164.1 and 8 more transcripts); c.1615+599C>A (NM_001387715.1, NM_001387708.1); c.1639+599C>A (NM_001308046.2, NM_001382271.1); short protein forms P524T, P548T, P556T.
Identifiers: ClinVar variation 2654503 (VCV002654503.24), dbSNP rs560887905, ClinGen allele CA355571607.
Genomic context (GRCh38, chr3:195,869,515, plus strand): 5'-GGCGGGGGCGGGGGCCAAGGCATCGGAAGCAGCCCCACTTACTCTGAGTGAAGAAGGCAG[G>T]CTGAGGTGGGCGAGGTGGAGGCTCCCCTGCAAGAAAGGCCATGCGGACAGGGGGAGAGAG-3'
Protein context (NP_001369202.1, residues 514-534): KREPPPRPPQ[Pro524Thr]AFFTQKPTYD